The following is an entry in ClinVar:

ClinVar aggregate classification (germline): Uncertain significance (1 of 4 stars; one submission).

Conditions:
Neurodevelopmental disorder with nonspecific brain abnormalities and with or without seizures. Identifiers: MedGen C5231470, MONDO:0032877, OMIM 618709.

Submission:

Juno Genomics, Hangzhou Juno Genomics, Inc
Classification: Uncertain significance for Neurodevelopmental disorder with nonspecific brain abnormalities and with or without seizures. Review status: criteria provided, single submitter. Criteria: ACMG Guidelines, 2015. Collection method: clinical testing. Allele origin: germline.
Comment: Absent from controls (or at extremely low frequency if recessive) in Genome Aggregation Database.

NM_005618.4(DLL1):c.1244C>A (p.Ser415Tyr)

Gene: DLL1 (delta like canonical Notch ligand 1; minus strand). Cytogenetic location: 6q27.
Variant type: single nucleotide variant.
Coding change: c.1244C>A on transcript NM_005618.4 (MANE Select); coding-DNA position 1244, C replaced by A.
Protein change: p.Ser415Tyr; replaces serine 415 with tyrosine.
Molecular consequence: missense variant.
Genome position (GRCh38, 1-based): chr6:170,284,924, G>T on the plus strand (C>A on the coding strand, the complement: DLL1 is on the minus strand). VCF-style: chr6-170284924-G-T. GRCh37 (hg19) VCF-style: chr6-170594012-G-T.
Other names: short protein forms S415Y.
Identifiers: ClinVar variation 5006996 (VCV005006996.2).